The following is an entry in ClinVar:

ClinVar aggregate classification (germline): Uncertain significance. Review status: criteria provided, multiple submitters, no conflicts (2 of 4 stars). 2 submissions from 2 submitters: Uncertain significance (2). Last evaluated 2023-12-12.

Conditions:
ANKZF1-related disorder. Also called: ANKZF1-related condition.

Submissions (2):

Labcorp Genetics (formerly Invitae), Labcorp
Classification: Uncertain significance. Last evaluated: 2023-12-12. Review status: criteria provided, single submitter. Criteria: Invitae Variant Classification Sherloc (09022015). Collection method: clinical testing. Allele origin: germline.
Comment: This sequence change creates a premature translational stop signal (p.Gln513Profs*91) in the ANKZF1 gene. It is expected to result in an absent or disrupted protein product. However, the current clinical and genetic evidence is not sufficient to establish whether loss-of-function variants in ANKZF1 cause disease. This variant is not present in population databases (gnomAD no frequency). This variant has not been reported in the literature in individuals affected with ANKZF1-related conditions. ClinVar contains an entry for this variant (Variation ID: 1442265). In summary, the available evidence is currently insufficient to determine the role of this variant in disease. Therefore, it has been classified as a Variant of Uncertain Significance.

PreventionGenetics, part of Exact Sciences
Classification: Uncertain significance for ANKZF1-related condition. Last evaluated: 2023-01-06. Review status: criteria provided, single submitter. Criteria: ACMG Guidelines, 2015. Collection method: clinical testing. Allele origin: germline.
Comment: The ANKZF1 c.1536_1545del10 variant is predicted to result in a frameshift and premature protein termination (p.Gln513Profs*91). To our knowledge, this variant has not been reported in the literature or in a large population database, indicating this variant is rare. Of note, loss of function variants has not commonly been reported in this gene. At this time, the clinical significance of this variant is uncertain due to the absence of conclusive functional and genetic evidence.

NM_018089.3(ANKZF1):c.1536_1545del (p.Gln513fs)

Gene: ANKZF1 (ankyrin repeat and zinc finger peptidyl tRNA hydrolase 1; plus strand). Cytogenetic location: 2q35.
Variant type: Deletion.
Coding change: c.1536_1545del on transcript NM_018089.3 (MANE Select); coding-DNA positions 1536 to 1545, 10 bases deleted (GCAGCTAGCT; older notation c.1536_1545delGCAGCTAGCT).
Protein change: p.Gln513fs; shifts the reading frame from glutamine 513.
Molecular consequence: frameshift variant.
Genome position (GRCh38, 1-based): chr2:219,235,157-219,235,166, GCAGCTAGCT deleted; deleting any 10 consecutive bases within chr2:219,235,153-219,235,166 gives the same sequence; the c. name uses the placement nearest the transcript's 3' end. VCF-style (leftmost placement, unchanged base first): chr2-219235152-AAGCTGCAGCT-A. GRCh37 (hg19) VCF-style: chr2-220099874-AAGCTGCAGCT-A.
Other names: c.1536_1545del, p.Gln513fs (NM_001042410.2); c.906_915del, p.Gln303fs (NM_001282792.2); c.1536_1545del10 (NM_018089.2); short protein forms Q513fs, Q303fs.
Identifiers: ClinVar variation 1442265 (VCV001442265.6), dbSNP rs2106466166, ClinGen allele CA2530953148.
Genomic context (GRCh38, chr2:219,235,152, plus strand): 5'-CAGCCAGAGCTCTGGAATGCACTGCTTGCTGCTTGCCGAGCTGGAGATGTTGGAGTGCTA[AAGCTGCAGCT>A]AGCTCCCAGCCCTGCAGACCCTAGAGTTCTGTCTCTGCTCAGTGCCCCCTTGGGCTCCGG-3'